The following is an entry in ClinVar:

ClinVar aggregate classification (germline): Uncertain significance (1 of 4 stars; one submission).

gnomAD v4.1: 5 of 1,603,358 alleles (0.00031%); highest among the groups gnomAD compares: Non-Finnish European, 0.00042%; no homozygotes.

Submission:

GeneDx
Classification: Uncertain significance. Last evaluated: 2024-11-12. Review status: criteria provided, single submitter. Criteria: GeneDx Variant Classification Process June 2021. Collection method: clinical testing. Allele origin: germline. Affected: yes.
Comment: Not observed at significant frequency in large population cohorts (gnomAD); In silico analysis supports that this missense variant has a deleterious effect on protein structure/function; Has not been previously published as pathogenic or benign to our knowledge

NM_016239.4(MYO15A):c.838G>C (p.Gly280Arg)

Gene: MYO15A (myosin XVA; plus strand). Cytogenetic location: 17p11.2.
Variant type: single nucleotide variant.
Coding change: c.838G>C on transcript NM_016239.4 (MANE Select); coding-DNA position 838, G replaced by C.
Protein change: p.Gly280Arg; replaces glycine 280 with arginine.
Molecular consequence: missense variant.
Genome position (GRCh38, 1-based): chr17:18,119,638, G>C. VCF-style: chr17-18119638-G-C. GRCh37 (hg19) VCF-style: chr17-18022952-G-C.
Other names: short protein forms G280R.
Identifiers: ClinVar variation 3899195 (VCV003899195.1).
Genomic context (GRCh38, chr17:18,119,638, plus strand): 5'-TACCTGGCGGGCCTCGGCCCCTACAGCCCGGCCTGGCCACCCTACGGCGACCACTACTAC[G>C]GGTACCCGCCCGAGGATCCCTACGACTACTACCACCCCGACTATTACGGTGGCCCCTTTG-3'
Protein context (NP_057323.3, residues 270-290): AWPPYGDHYY[Gly280Arg]YPPEDPYDYY